The following is an entry in ClinVar:

ClinVar aggregate classification (germline): Uncertain significance (1 of 4 stars; one submission).

Submission:

GeneDx
Classification: Uncertain significance. Last evaluated: 2024-02-01. Review status: criteria provided, single submitter. Criteria: GeneDx Variant Classification Process June 2021. Collection method: clinical testing. Allele origin: germline. Affected: yes.
Comment: Not observed at significant frequency in large population cohorts (gnomAD); Nonsense variant predicted to result in protein truncation as the last 4 amino acids are lost, although loss-of-function variants have not been reported downstream of this position in the protein; Has not been previously published as pathogenic or benign to our knowledge

NM_175914.5(HNF4A):c.1327C>T (p.Gln443Ter)

Gene: HNF4A (hepatocyte nuclear factor 4 alpha; plus strand). Cytogenetic location: 20q13.12.
Variant type: single nucleotide variant.
Coding change: c.1327C>T on transcript NM_175914.5 (MANE Select); coding-DNA position 1327, C replaced by T.
Protein change: p.Gln443Ter; replaces glutamine 443 with a stop codon.
Molecular consequence: nonsense.
Genome position (GRCh38, 1-based): chr20:44,429,633, C>T. VCF-style: chr20-44429633-C-T. GRCh37 (hg19) VCF-style: chr20-43058273-C-T.
Other names: c.1393C>T, p.Gln465Ter (NM_000457.6); c.1297C>T, p.Gln433Ter (NM_001030003.3); c.1372C>T, p.Gln458Ter (NM_001258355.2); c.1288C>T, p.Gln430Ter (NM_001287182.2); c.1318C>T, p.Gln440Ter (NM_001287183.2); c.1363C>T, p.Gln455Ter (NM_178849.3); short protein forms Q430*, Q433*, Q440*, Q443*, Q455*, Q458*, Q465*.
Identifiers: ClinVar variation 3368738 (VCV003368738.1).